The following is an entry in ClinVar:

NM_003640.5(ELP1):c.1352A>G (p.Tyr451Cys)

Gene: ELP1 (elongator acetyltransferase complex subunit 1; minus strand). Cytogenetic location: 9q31.3.
Variant type: single nucleotide variant.
Coding change: c.1352A>G on transcript NM_003640.5 (MANE Select); coding-DNA position 1352, A replaced by G.
Protein change: p.Tyr451Cys; replaces tyrosine 451 with cysteine.
Molecular consequence: missense variant.
Genome position (GRCh38, 1-based): chr9:108,911,018, T>C on the plus strand (A>G on the coding strand, the complement: ELP1 is on the minus strand). VCF-style: chr9-108911018-T-C. GRCh37 (hg19) VCF-style: chr9-111673298-T-C.
Other names: c.1010A>G, p.Tyr337Cys (NM_001318360.2); c.305A>G, p.Tyr102Cys (NM_001330749.2); short protein forms Y102C, Y337C, Y451C.
Identifiers: ClinVar variation 1007360 (VCV001007360.8), dbSNP rs1829196320, ClinGen allele CA374428582.
Genomic context (GRCh38, chr9:108,911,018, plus strand): 5'-GGAGTAGAAGGGACTTGATTCAGAACATCTTGGCAAAAGTTTTATAACATACCACATTTA[T>C]AAACAGAAATCTGGTTACTGGCATCTAGAACAGCAAGGTCATTACTCTTTTGAGGGTGTG-3'
Protein context (NP_003631.2, residues 441-461): VLDASNQISV[Tyr451Cys]KCGDCPSADP

ClinVar aggregate classification (germline): Uncertain significance. Review status: criteria provided, multiple submitters, no conflicts (2 of 4 stars). 3 submissions from 3 submitters: Uncertain significance (2). 1 of the submissions does not count toward it. Last evaluated 2022-01-07.

Conditions:
Familial dysautonomia. Also called: FD; HSAN III. Identifiers: Orphanet 1764, MedGen C0013364, MONDO:0009131, OMIM 223900. Disease mechanism: loss of function.
Medulloblastoma (MDB). Also called: MEDULLOBLASTOMA PREDISPOSITION SYNDROME; Medulloblastoma, somatic. Identifiers: Orphanet 616, MedGen C0025149, MeSH D008527, MONDO:0007959, OMIM 155255, HP:0002885.

Allele frequency attached by ClinVar (database versions not stated): gnomAD exomes below 0.00001.
gnomAD v4.1: 6 of 1,614,092 alleles (0.00037%); highest among the groups gnomAD compares: Non-Finnish European, 0.00042%; no homozygotes.

Submissions (3):

Fulgent Genetics
Classification: Uncertain significance for Medulloblastoma; Familial dysautonomia. Last evaluated: 2022-01-07. Review status: criteria provided, single submitter. Criteria: ACMG Guidelines, 2015. Collection method: clinical testing. Allele origin: unknown.

Labcorp Genetics (formerly Invitae), Labcorp
Classification: Uncertain significance. Last evaluated: 2021-09-01. Review status: criteria provided, single submitter. Criteria: Invitae Variant Classification Sherloc (09022015). Collection method: clinical testing. Allele origin: germline.
Comment: This sequence change replaces tyrosine with cysteine at codon 451 of the ELP1 protein (p.Tyr451Cys). The tyrosine residue is moderately conserved and there is a large physicochemical difference between tyrosine and cysteine. This variant is not present in population databases (ExAC no frequency). This variant has not been reported in the literature in individuals affected with ELP1-related conditions. Algorithms developed to predict the effect of missense changes on protein structure and function are either unavailable or do not agree on the potential impact of this missense change (SIFT: "Deleterious"; PolyPhen-2: "Probably Damaging"; Align-GVGD: "Class C0"). In summary, the available evidence is currently insufficient to determine the role of this variant in disease. Therefore, it has been classified as a Variant of Uncertain Significance.

Natera, Inc.
Classification: Uncertain significance for Familial dysautonomia. Last evaluated: 2018-09-09. Review status: no assertion criteria provided. Collection method: clinical testing. Allele origin: germline. Not counted in ClinVar's aggregate classification.